The following is an entry in ClinVar:

NM_024685.4(BBS10):c.745C>T (p.Arg249Cys)

Gene: BBS10 (Bardet-Biedl syndrome 10; minus strand). Cytogenetic location: 12q21.2.
Variant type: single nucleotide variant.
Coding change: c.745C>T on transcript NM_024685.4 (MANE Select); coding-DNA position 745, C replaced by T.
Protein change: p.Arg249Cys; replaces arginine 249 with cysteine.
Molecular consequence: missense variant.
Genome position (GRCh38, 1-based): chr12:76,347,240, G>A on the plus strand (C>T on the coding strand, the complement: BBS10 is on the minus strand). VCF-style: chr12-76347240-G-A. GRCh37 (hg19) VCF-style: chr12-76741020-G-A.
Other names: c.745C>T (NM_024685.3); short protein forms R249C.
Identifiers: ClinVar variation 1417704 (VCV001417704.6), dbSNP rs1242888821, ClinGen allele CA385814468.

ClinVar aggregate classification (germline): Conflicting classifications of pathogenicity. Review status: criteria provided, conflicting classifications (1 of 4 stars). 2 submissions from 2 submitters: Uncertain significance (1); Likely benign (1). Last evaluated 2025-04-18.

Conditions:
Inborn genetic diseases. Identifiers: MedGen C0950123, MeSH D030342.
Bardet-Biedl syndrome (BBS). Identifiers: Orphanet 110, MedGen C0752166, MONDO:0015229.

Allele frequency attached by ClinVar (database versions not stated): gnomAD exomes below 0.00001; TOPMed 0.00003.
gnomAD v4.1: 5 of 1,612,690 alleles (0.00031%); highest among the groups gnomAD compares: East Asian, 0.0022%; no homozygotes.

Submissions (2):

Ambry Genetics
Classification: Likely benign for Inborn genetic diseases. Last evaluated: 2025-04-18. Review status: criteria provided, single submitter. Criteria: Ambry Variant Classification Scheme 2023. Collection method: clinical testing. Allele origin: germline.

Labcorp Genetics (formerly Invitae), Labcorp
Classification: Uncertain significance for Bardet-Biedl syndrome. Last evaluated: 2022-09-27. Review status: criteria provided, single submitter. Criteria: Invitae Variant Classification Sherloc (09022015). Collection method: clinical testing. Allele origin: germline.
Comment: This sequence change replaces arginine, which is basic and polar, with cysteine, which is neutral and slightly polar, at codon 249 of the BBS10 protein (p.Arg249Cys). This variant is not present in population databases (gnomAD no frequency). This variant has not been reported in the literature in individuals affected with BBS10-related conditions. ClinVar contains an entry for this variant (Variation ID: 1417704). Advanced modeling of protein sequence and biophysical properties (such as structural, functional, and spatial information, amino acid conservation, physicochemical variation, residue mobility, and thermodynamic stability) performed at Invitae indicates that this missense variant is not expected to disrupt BBS10 protein function. In summary, the available evidence is currently insufficient to determine the role of this variant in disease. Therefore, it has been classified as a Variant of Uncertain Significance.